The following is an entry in ClinVar:

NC_000009.12:g.35657778T>C

Gene: RMRP (RNA component of mitochondrial RNA processing endoribonuclease; minus strand). Cytogenetic location: 9p13.3.
Variant type: single nucleotide variant.
Genome position: GRCh38 VCF-style: chr9-35657778-T-C. GRCh37 (hg19) VCF-style: chr9-35657775-T-C.
Identifiers: ClinVar variation 2147345 (VCV002147345.2), dbSNP rs1038523315, ClinGen allele CA464450302.

ClinVar aggregate classification (germline): Conflicting classifications of pathogenicity. Review status: criteria provided, conflicting classifications (1 of 4 stars). 2 submissions from 2 submitters: Uncertain significance (1); Likely benign (1). Last evaluated 2022-07-15.

Conditions:
Anauxetic dysplasia. Identifiers: Orphanet 93347, MedGen C1846796, MONDO:0011773.

gnomAD v4.1: 26 of 696,688 alleles (0.0037%); highest among the groups gnomAD compares: Non-Finnish European, 0.0058%; 1 homozygote.

Submissions (2):

Blueprint Genetics
Classification: Likely benign. Last evaluated: 2022-07-15. Review status: criteria provided, single submitter. Criteria: ACMG Guidelines, 2015. Collection method: clinical testing. Allele origin: germline.

Labcorp Genetics (formerly Invitae), Labcorp
Classification: Uncertain significance for Anauxetic dysplasia. Last evaluated: 2021-08-24. Review status: criteria provided, single submitter. Criteria: Invitae Variant Classification Sherloc (09022015). Collection method: clinical testing. Allele origin: germline.
Comment: This variant occurs in the RMRP gene, which encodes an RNA molecule that does not result in a protein product. The frequency data for this variant in the population databases is considered unreliable, as metrics indicate insufficient coverage at this position in the ExAC database. This variant has not been reported in the literature in individuals affected with RMRP-related conditions. Experimental studies and prediction algorithms are not available or were not evaluated, and the functional significance of this variant is currently unknown. In summary, the available evidence is currently insufficient to determine the role of this variant in disease. Therefore, it has been classified as a Variant of Uncertain Significance.